The following is an entry in ClinVar:

NM_002579.3(PALM):c.634+1G>A

Gene: PALM (paralemmin; plus strand). Cytogenetic location: 19p13.3.
Variant type: single nucleotide variant.
Coding change: c.634+1G>A on transcript NM_002579.3 (MANE Select); the canonical splice donor site of the intron after coding-DNA position 634, G replaced by A.
Molecular consequence: splice donor variant. On other transcripts: intron variant (1).
Genome position (GRCh38, 1-based): chr19:740,484, G>A. VCF-style: chr19-740484-G-A. GRCh37 (hg19) VCF-style: chr19-740484-G-A.
Other names: c.502+4406G>A (NM_001040134.2).
Identifiers: ClinVar variation 4748440 (VCV004748440.1).

ClinVar aggregate classification (germline): Uncertain significance (1 of 4 stars; one submission).

gnomAD v4.1: 3 of 1,550,090 alleles (0.00019%); highest among the groups gnomAD compares: African/African-American, 0.0014%; no homozygotes.

Submission:

Labcorp Genetics (formerly Invitae), Labcorp
Classification: Uncertain significance. Last evaluated: 2025-05-08. Review status: criteria provided, single submitter. Criteria: Invitae Variant Classification Sherloc (09022015). Collection method: clinical testing. Allele origin: germline.
Comment: This sequence change falls in intron 8 of the PALM gene. It does not directly change the encoded amino acid sequence of the PALM protein. It affects a nucleotide within the consensus splice site. This variant is not present in population databases (gnomAD no frequency). This variant has not been reported in the literature in individuals affected with PALM-related conditions. Variants that disrupt the consensus splice site are a relatively common cause of aberrant splicing (PMID: 17576681, 9536098). Algorithms developed to predict the effect of sequence changes on RNA splicing suggest that this variant may disrupt the consensus splice site. In summary, the available evidence is currently insufficient to determine the role of this variant in disease. Therefore, it has been classified as a Variant of Uncertain Significance.

Literature cited by the submitters: PubMed 17576681; PubMed 9536098.